The following is an entry in ClinVar:

NM_000179.3(MSH6):c.2706del (p.Pro903fs)

Gene: MSH6 (mutS homolog 6; plus strand). Cytogenetic location: 2p16.3.
Variant type: Deletion.
Coding change: c.2706del on transcript NM_000179.3 (MANE Select); coding-DNA position 2706, one base deleted (T; older notation c.2706delT).
Protein change: p.Pro903fs; shifts the reading frame from proline 903.
Molecular consequence: frameshift variant.
Genome position (GRCh38, 1-based): chr2:47,800,689, T deleted; the last of 4 consecutive T bases (chr2:47,800,686-47,800,689); deleting any one gives the same sequence. VCF-style (leftmost placement, unchanged base first): chr2-47800685-GT-G. GRCh37 (hg19) VCF-style: chr2-48027824-GT-G.
Other names: c.2316del, p.Pro773fs (NM_001281492.2); c.1800del, p.Pro601fs (NM_001281493.2, NM_001281494.2); c.2802delT, p.Pro935Leufs (NM_001406795.1, NM_001406802.1); c.2706delT, p.Pro903Leufs (NM_001406796.1, NM_001406798.1, NM_001406800.1 and 2 more transcripts); c.2409delT, p.Pro804Leufs (NM_001406797.1, NM_001406801.1, NM_001406805.1 and 10 more transcripts); c.2181delT, p.Pro728Leufs (NM_001406799.1, NM_001406806.1, NM_001406807.1); c.2628delT, p.Pro877Leufs (NM_001406804.1); c.1800delT, p.Pro601Leufs (NM_001406811.1, NM_001406812.1, NM_001406814.1 and 4 more transcripts); and 3 more; short protein forms P601fs, P773fs, P903fs.
Identifiers: ClinVar variation 1794986 (VCV001794986.4), dbSNP rs2530688220, ClinGen allele CA2580067979.
Genomic context (GRCh38, chr2:47,800,685, plus strand): 5'-GTTTTAAGTCTAAAATCCTTAAGCAGGTCATCTCTCTGCAGACAAAAAATCCTGAAGGTC[GT>G]TTTCCTGATTTGACTGTAGAATTGAACCGATGGGATACAGCCTTTGACCATGAAAAGGCT-3'

ClinVar aggregate classification (germline): Pathogenic. Review status: criteria provided, multiple submitters, no conflicts (2 of 4 stars). 2 submissions from 2 submitters: Pathogenic (2). Last evaluated 2025-02-07.

Conditions:
Hereditary cancer-predisposing syndrome. Also called: Tumor predisposition; Hereditary Cancer Syndrome; Neoplastic Syndromes, Hereditary; Hereditary neoplastic syndrome. Identifiers: Orphanet 140162, MedGen C0027672, MeSH D009386, MONDO:0015356.
Hereditary nonpolyposis colorectal neoplasms. Identifiers: MedGen C0009405, MeSH D003123.

Submissions (2):

Labcorp Genetics (formerly Invitae), Labcorp
Classification: Pathogenic for Hereditary nonpolyposis colorectal neoplasms. Last evaluated: 2025-02-07. Review status: criteria provided, single submitter. Criteria: Invitae Variant Classification Sherloc (09022015). Collection method: clinical testing. Allele origin: germline.
Comment: This sequence change creates a premature translational stop signal (p.Pro903Leufs*3) in the MSH6 gene. It is expected to result in an absent or disrupted protein product. Loss-of-function variants in MSH6 are known to be pathogenic (PMID: 18269114, 24362816). This variant is not present in population databases (gnomAD no frequency). This variant has not been reported in the literature in individuals affected with MSH6-related conditions. ClinVar contains an entry for this variant (Variation ID: 1794986). For these reasons, this variant has been classified as Pathogenic.

Ambry Genetics
Classification: Pathogenic for Hereditary cancer-predisposing syndrome. Last evaluated: 2024-11-01. Review status: criteria provided, single submitter. Criteria: Ambry Variant Classification Scheme 2023. Collection method: clinical testing. Allele origin: germline.
Comment: The c.2706delT pathogenic mutation, located in coding exon 4 of the MSH6 gene, results from a deletion of one nucleotide at nucleotide position 2706, causing a translational frameshift with a predicted alternate stop codon (p.P903Lfs*3). This alteration is expected to result in loss of function by premature protein truncation or nonsense-mediated mRNA decay. As such, this alteration is interpreted as a disease-causing mutation.

Literature cited by the submitters: PubMed 18269114 (cited by Labcorp Genetics (formerly Invitae), Labcorp); PubMed 24362816 (cited by Labcorp Genetics (formerly Invitae), Labcorp).